The following is an entry in ClinVar:

NM_000890.5(KCNJ5):c.631C>T (p.Arg211Trp)

Gene: KCNJ5 (potassium inwardly rectifying channel subfamily J member 5; plus strand). Cytogenetic location: 11q24.3.
Variant type: single nucleotide variant.
Coding change: c.631C>T on transcript NM_000890.5 (MANE Select); coding-DNA position 631, C replaced by T.
Protein change: p.Arg211Trp; replaces arginine 211 with tryptophan.
Molecular consequence: missense variant.
Genome position (GRCh38, 1-based): chr11:128,911,904, C>T. VCF-style: chr11-128911904-C-T. GRCh37 (hg19) VCF-style: chr11-128781799-C-T.
Other names: c.631C>T, p.Arg211Trp (NM_001354169.2); short protein forms R211W.
Identifiers: ClinVar variation 1058806 (VCV001058806.14), dbSNP rs143790141, ClinGen allele CA6357906.

ClinVar aggregate classification (germline): Uncertain significance. Review status: criteria provided, multiple submitters, no conflicts (2 of 4 stars). 3 submissions from 3 submitters: Uncertain significance (3). Last evaluated 2025-07-29.

Conditions:
Long QT syndrome 13 (LQT13). Identifiers: Orphanet 101016, Orphanet 768, MedGen C3150733, MONDO:0013279, OMIM 613485.
Familial hyperaldosteronism type III. Also called: Familial hyperaldosteronism type 3; FH III. Identifiers: Orphanet 251274, MedGen C3838758, MONDO:0013359, OMIM 613677.
Cardiovascular phenotype. Identifiers: MedGen CN230736.
Long QT syndrome (LQTS). Identifiers: MedGen C0023976, MeSH D008133, MONDO:0002442. Disease mechanism: loss of function. Inheritance: Various modes of inheritance.

Allele frequency attached by ClinVar (database versions not stated): gnomAD 0.00003; ESP Exome Variant Server 0.00023.

Submissions (3):

Labcorp Genetics (formerly Invitae), Labcorp
Classification: Uncertain significance for Long QT syndrome. Last evaluated: 2025-07-29. Review status: criteria provided, single submitter. Criteria: Invitae Variant Classification Sherloc (09022015). Collection method: clinical testing. Allele origin: germline.
Comment: This sequence change replaces arginine, which is basic and polar, with tryptophan, which is neutral and slightly polar, at codon 211 of the KCNJ5 protein (p.Arg211Trp). This variant is present in population databases (rs143790141, gnomAD 0.006%). This missense change has been observed in individual(s) with sudden unexplained death in infancy (PMID: 26350513). ClinVar contains an entry for this variant (Variation ID: 1058806). Invitae Evidence Modeling of protein sequence and biophysical properties (such as structural, functional, and spatial information, amino acid conservation, physicochemical variation, residue mobility, and thermodynamic stability) indicates that this missense variant is expected to disrupt KCNJ5 protein function with a positive predictive value of 80%. In summary, the available evidence is currently insufficient to determine the role of this variant in disease. Therefore, it has been classified as a Variant of Uncertain Significance.

Ambry Genetics
Classification: Uncertain significance for Cardiovascular phenotype. Last evaluated: 2024-09-25. Review status: criteria provided, single submitter. Criteria: Ambry Variant Classification Scheme 2023. Collection method: clinical testing. Allele origin: germline.
Comment: The p.R211W variant (also known as c.631C>T), located in coding exon 1 of the KCNJ5 gene, results from a C to T substitution at nucleotide position 631. The arginine at codon 211 is replaced by tryptophan, an amino acid with dissimilar properties. This variant has been detected in a sudden infant death case (Hertz CL et al. Eur. J. Hum. Genet., 2016 06;24:817-22), in an individual with short QT syndrome who also had a variant in the KCNH2 gene (Akdis D et al. Europace, 2018 06;20:f113-f121), and in an AV nodal reentrant tachycardia cohort (Andreasen L et al. Eur J Hum Genet, 2018 05;26:660-668). This amino acid position is highly conserved in available vertebrate species. In addition, this alteration is predicted to be deleterious by in silico analysis. Since supporting evidence is limited at this time, the clinical significance of this alteration remains unclear.

Fulgent Genetics
Classification: Uncertain significance for Long QT syndrome 13; Familial hyperaldosteronism type III. Last evaluated: 2024-04-24. Review status: criteria provided, single submitter. Criteria: ACMG Guidelines, 2015. Collection method: clinical testing. Allele origin: germline.

Literature cited by the submitters: PubMed 26350513 (cited by Labcorp Genetics (formerly Invitae), Labcorp and Ambry Genetics); PubMed 29016797 (cited by Ambry Genetics); PubMed 29396561 (cited by Ambry Genetics); PubMed 34426522 (cited by Ambry Genetics).